The following is an entry in ClinVar:

NM_001144869.3(LIPT2):c.417C>A (p.Pro139=)

Gene: LIPT2 (lipoyl(octanoyl) transferase 2; minus strand). Cytogenetic location: 11q13.4.
Variant type: single nucleotide variant.
Coding change: c.417C>A on transcript NM_001144869.3 (MANE Select); coding-DNA position 417, C replaced by A.
Protein change: p.Pro139=; no amino-acid change (proline 139 retained).
Molecular consequence: synonymous variant. On other transcripts: intron variant (1).
Genome position (GRCh38, 1-based): chr11:74,493,287, G>T on the plus strand (C>A on the coding strand, the complement: LIPT2 is on the minus strand). VCF-style: chr11-74493287-G-T. GRCh37 (hg19) VCF-style: chr11-74204332-G-T.
Other names: c.417C>A, p.Pro139= (NM_001329941.2); c.237+180C>A (NM_001329942.2).
Identifiers: ClinVar variation 3058112 (VCV003058112.2), dbSNP rs978334424, ClinGen allele CA224979276.

ClinVar aggregate classification (germline): Likely benign (0 of 4 stars; one submission).

Conditions:
LIPT2-related disorder. Also called: LIPT2-related condition.

Allele frequency attached by ClinVar (database versions not stated): gnomAD exomes below 0.00001; gnomAD 0.00003; TOPMed 0.00007.
gnomAD v4.1: 7 of 1,417,964 alleles (0.00049%); highest among the groups gnomAD compares: African/African-American, 0.01%; no homozygotes.

Submission:

PreventionGenetics, part of Exact Sciences
Classification: Likely benign for LIPT2-related condition. Last evaluated: 2019-03-25. Review status: no assertion criteria provided. Collection method: clinical testing. Allele origin: germline.
Comment: This variant is classified as likely benign based on ACMG/AMP sequence variant interpretation guidelines (Richards et al. 2015 PMID: 25741868, with internal and published modifications).